The following is an entry in ClinVar:

NM_022101.4(STEEP1):c.355G>A (p.Val119Ile)

Gene: STEEP1 (STING1 ER exit protein 1; minus strand). Cytogenetic location: Xq24.
Variant type: single nucleotide variant.
Coding change: c.355G>A on transcript NM_022101.4 (MANE Select); coding-DNA position 355, G replaced by A.
Protein change: p.Val119Ile; replaces valine 119 with isoleucine.
Molecular consequence: missense variant.
Genome position (GRCh38, 1-based): chrX:119,544,421, C>T on the plus strand (G>A on the coding strand, the complement: STEEP1 is on the minus strand). VCF-style: chrX-119544421-C-T. GRCh37 (hg19) VCF-style: chrX-118678384-C-T.
Other names: c.208G>A, p.Val70Ile (NM_001170569.1); c.313G>A, p.Val105Ile (NM_001170570.2); short protein forms V105I, V119I, V70I.
Identifiers: ClinVar variation 3253269 (VCV003253269.1), dbSNP rs2520489468.
Genomic context (GRCh38, chrX:119,544,421, plus strand): 5'-GAGGCTCTTGTTTCTGAGTATATATGTTCGTTTTCCCAAAGCCCTGGCCAAACTTGACTA[C>T]TGCTCCATCCACAATGAAGGTAACAGGAGCATTCTTTGGCTGGGATTGGTAGAAGAGCGG-3'
Protein context (NP_071384.1, residues 109-129): APVTFIVDGA[Val119Ile]VKFGQGFGKT

ClinVar aggregate classification (germline): Uncertain significance (1 of 4 stars; one submission).

Submission:

GeneDx
Classification: Uncertain significance. Last evaluated: 2023-06-14. Review status: criteria provided, single submitter. Criteria: GeneDx Variant Classification Process June 2021. Collection method: clinical testing. Allele origin: germline. Affected: yes.
Comment: Not observed at significant frequency in large population cohorts (gnomAD); In silico analysis supports that this missense variant does not alter protein structure/function; Has not been previously published as pathogenic or benign to our knowledge